The following is an entry in ClinVar:

ClinVar aggregate classification (germline): Uncertain significance (1 of 4 stars; one submission).

Allele frequency attached by ClinVar (database versions not stated): gnomAD 0.00001.

Submission:

Labcorp Genetics (formerly Invitae), Labcorp
Classification: Uncertain significance. Last evaluated: 2022-05-05. Review status: criteria provided, single submitter. Criteria: Invitae Variant Classification Sherloc (09022015). Collection method: clinical testing. Allele origin: germline.
Comment: In summary, the available evidence is currently insufficient to determine the role of this variant in disease. Therefore, it has been classified as a Variant of Uncertain Significance. This variant has not been reported in the literature in individuals affected with VPS13A-related conditions. Algorithms developed to predict the effect of missense changes on protein structure and function (SIFT, PolyPhen-2, Align-GVGD) all suggest that this variant is likely to be tolerated. This variant is not present in population databases (gnomAD no frequency). This sequence change replaces methionine, which is neutral and non-polar, with threonine, which is neutral and polar, at codon 1267 of the VPS13A protein (p.Met1267Thr).

NM_033305.3(VPS13A):c.3800T>C (p.Met1267Thr)

Gene: VPS13A (vacuolar protein sorting 13 homolog A; plus strand). Cytogenetic location: 9q21.2.
Variant type: single nucleotide variant.
Coding change: c.3800T>C on transcript NM_033305.3 (MANE Select); coding-DNA position 3800, T replaced by C.
Protein change: p.Met1267Thr; replaces methionine 1267 with threonine.
Molecular consequence: missense variant.
Genome position (GRCh38, 1-based): chr9:77,295,834, T>C. VCF-style: chr9-77295834-T-C. GRCh37 (hg19) VCF-style: chr9-79910750-T-C.
Other names: c.3683T>C, p.Met1228Thr (NM_001018037.2); c.3800T>C, p.Met1267Thr (NM_001018038.3, NM_015186.4); short protein forms M1228T, M1267T.
Identifiers: ClinVar variation 1922911 (VCV001922911.5), dbSNP rs754867473, ClinGen allele CA373851063.